The following is an entry in ClinVar:

ClinVar aggregate classification (germline): Likely benign (1 of 4 stars; one submission).

gnomAD v4.1: 7 of 1,613,976 alleles (0.00043%); highest among the groups gnomAD compares: Admixed American, 0.0067%; no homozygotes.

Submission:

CeGaT Center for Human Genetics Tuebingen
Classification: Likely benign. Last evaluated: 2026-04-01. Review status: criteria provided, single submitter. Criteria: CeGaT Center For Human Genetics Tuebingen Variant Classification Criteria Version 2. Collection method: clinical testing. Allele origin: germline. Affected: yes. Observed: 1 variant allele.
Comment: RRM1: BP4, BP7

NM_001033.5(RRM1):c.504A>G (p.Gln168=)

Gene: RRM1 (ribonucleotide reductase catalytic subunit M1; plus strand). Cytogenetic location: 11p15.4.
Variant type: single nucleotide variant.
Coding change: c.504A>G on transcript NM_001033.5 (MANE Select); coding-DNA position 504, A replaced by G.
Protein change: p.Gln168=; no amino-acid change (glutamine 168 retained).
Molecular consequence: synonymous variant.
Genome position (GRCh38, 1-based): chr11:4,111,916, A>G. VCF-style: chr11-4111916-A-G. GRCh37 (hg19) VCF-style: chr11-4133146-A-G.
Other names: c.213A>G, p.Gln71= (NM_001318064.1).
Identifiers: ClinVar variation 4874662 (VCV004874662.2).